The following is an entry in ClinVar:

ClinVar aggregate classification (germline): Conflicting classifications of pathogenicity. Review status: criteria provided, conflicting classifications (1 of 4 stars). 7 submissions from 7 submitters: Uncertain significance (6); Likely benign (1). Last evaluated 2025-12-09.

Conditions:
Classic or attenuated familial adenomatous polyposis. Identifiers: MedGen CN372698, MONDO:0021057.
Hereditary cancer-predisposing syndrome. Also called: Tumor predisposition; Hereditary neoplastic syndrome; Hereditary Cancer Syndrome; Neoplastic Syndromes, Hereditary. Identifiers: Orphanet 140162, MedGen C0027672, MeSH D009386, MONDO:0015356.
Familial adenomatous polyposis 1 (FAP1). Also called: FAMILIAL ADENOMATOUS POLYPOSIS 1, ATTENUATED; POLYPOSIS, ADENOMATOUS INTESTINAL. Identifiers: MedGen C2713442, MONDO:0021056, OMIM 175100. Disease mechanism: loss of function.

Allele frequency attached by ClinVar (database versions not stated): gnomAD exomes below 0.00001 and 0.00001; ExAC 0.00001.
gnomAD v4.1: 2 of 1,614,112 alleles (0.00012%); highest among the groups gnomAD compares: East Asian, 0.0045%; no homozygotes.

Submissions (7):

Labcorp Genetics (formerly Invitae), Labcorp
Classification: Uncertain significance for Familial adenomatous polyposis 1. Last evaluated: 2025-12-09. Review status: criteria provided, single submitter. Criteria: Invitae Variant Classification Sherloc (09022015). Collection method: clinical testing. Allele origin: germline.
Comment: This sequence change replaces glutamine, which is neutral and polar, with histidine, which is basic and polar, at codon 1367 of the APC protein (p.Gln1367His). This variant is present in population databases (rs761886683, gnomAD 0.01%). This variant has not been reported in the literature in individuals affected with APC-related conditions. ClinVar contains an entry for this variant (Variation ID: 411458). Invitae Evidence Modeling of protein sequence and biophysical properties (such as structural, functional, and spatial information, amino acid conservation, physicochemical variation, residue mobility, and thermodynamic stability) indicates that this missense variant is not expected to disrupt APC protein function with a negative predictive value of 95%. In summary, the available evidence is currently insufficient to determine the role of this variant in disease. Therefore, it has been classified as a Variant of Uncertain Significance.

Color Diagnostics, LLC DBA Color Health
Classification: Uncertain significance for Hereditary cancer-predisposing syndrome. Last evaluated: 2025-06-17. Review status: criteria provided, single submitter. Criteria: ACMG Guidelines, 2015. Collection method: clinical testing. Allele origin: germline.
Comment: This missense variant replaces glutamine with histidine at codon 1367 of the APC protein. Computational prediction suggests that this variant may not impact protein structure and function. To our knowledge, functional studies have not been reported for this variant. This variant has been reported in an individual affected with kidney renal cell carcinoma (PMID 29684080). This variant has been reported in a colorectal cancer sample but it is unclear if the variant found was germline or somatic (PMID: 11819789), and this variant was also reported in a biobank sample from individuals who were affected with colorectal cancer or polyps and unaffected individuals but the carrier health history was not provided (PMID: 31422818). This variant has been identified in 3/250796 chromosomes in the general population by the Genome Aggregation Database (gnomAD). The available evidence is insufficient to determine the role of this variant in disease conclusively. Therefore, this variant is classified as a Variant of Uncertain Significance.

GeneDx
Classification: Uncertain significance. Last evaluated: 2025-04-23. Review status: criteria provided, single submitter. Criteria: GeneDx Variant Classification Process June 2021. Collection method: clinical testing. Allele origin: germline. Affected: yes.
Comment: Not observed at significant frequency in large population cohorts (gnomAD); In silico analysis indicates that this missense variant does not alter protein structure/function; Reported in an individual with renal cell carcinoma in published literature (PMID: 29684080); This variant is associated with the following publications: (PMID: 25742471, 18199528, 29684080, 31422818)

CeGaT Center for Human Genetics Tuebingen
Classification: Uncertain significance. Last evaluated: 2024-12-01. Review status: criteria provided, single submitter. Criteria: CeGaT Center For Human Genetics Tuebingen Variant Classification Criteria Version 2. Collection method: clinical testing. Allele origin: germline. Affected: yes. Observed: 1 variant allele.
Comment: APC: PM2:Supporting, BP1

All of Us Research Program, National Institutes of Health
Classification: Uncertain significance for Classic or attenuated familial adenomatous polyposis. Last evaluated: 2023-11-20. Review status: criteria provided, single submitter. Criteria: ACMG Guidelines, 2015. Collection method: clinical testing. Allele origin: germline. Inheritance: Autosomal dominant inheritance. Observed: 1 variant allele, 1 heterozygote.
Comment: This missense variant replaces glutamine with histidine at codon 1367 of the APC protein. Computational prediction suggests that this variant may not impact protein structure and function (internally defined REVEL score threshold <= 0.5, PMID: 27666373). To our knowledge, functional studies have not been reported for this variant. This variant has been reported in an individual affected with kidney renal cell carcinoma (PMID 29684080). This variant has been reported in a colorectal cancer sample but it is unclear if the variant found was germline or somatic (PMID: 11819789), and this variant was also reported in a biobank sample from individuals who were affected with colorectal cancer or polyps and unaffected individuals but the carrier health history was not provided (PMID: 31422818). This variant has been identified in 3/250796 chromosomes in the general population by the Genome Aggregation Database (gnomAD). The available evidence is insufficient to determine the role of this variant in disease conclusively. Therefore, this variant is classified as a Variant of Uncertain Significance.

This study involves interpretation of variants in research participants for the purpose of population health screening. Participant phenotype was not available at the time of variant classification. Additional details can be found in publication PMID: 35346344, PMCID: PMC8962531

Ambry Genetics
Classification: Likely benign for Hereditary cancer-predisposing syndrome. Last evaluated: 2023-11-15. Review status: criteria provided, single submitter. Criteria: Ambry Variant Classification Scheme 2023. Collection method: clinical testing. Allele origin: germline.

Laboratory for Molecular Medicine, Mass General Brigham Personalized Medicine
Classification: Uncertain significance. Last evaluated: 2017-02-20. Review status: criteria provided, single submitter. Criteria: LMM Criteria. Collection method: clinical testing. Allele origin: germline. Observed: 1 variant allele.
Comment: The p.Gln1367His variant in APC has not been previously reported in individuals with familial adenomatous polyposis or other APC-associated cancers but has been identified in 1/8644 of East Asian chromosomes by the Exome Aggregation Consort ium (ExAC; dbSNP rs761886683). Computational pre diction tools and conservation analysis do not provide strong support for or aga inst an impact to the protein. In summary, the clinical significance of the p.Gl n1367His variant is uncertain.

Literature cited by the submitters: PubMed 11819789 (cited by Color Diagnostics, LLC DBA Color Health and All of Us Research Program, National Institutes of Health); PubMed 29684080 (cited by Color Diagnostics, LLC DBA Color Health and Ambry Genetics); PubMed 31422818 (cited by Color Diagnostics, LLC DBA Color Health and All of Us Research Program, National Institutes of Health).

NM_000038.6(APC):c.4101G>C (p.Gln1367His)

Gene: APC (APC regulator of Wnt signaling pathway; plus strand). Cytogenetic location: 5q22.2.
Variant type: single nucleotide variant.
Coding change: c.4101G>C on transcript NM_000038.6 (MANE Select); coding-DNA position 4101, G replaced by C.
Protein change: p.Gln1367His; replaces glutamine 1367 with histidine.
Molecular consequence: missense variant.
Genome position (GRCh38, 1-based): chr5:112,839,695, G>C. VCF-style: chr5-112839695-G-C. GRCh37 (hg19) VCF-style: chr5-112175392-G-C.
Other names: c.4101G>C, p.Gln1367His (NM_001127510.3, NM_001354895.2); c.4047G>C, p.Gln1349His (NM_001127511.3); c.4155G>C, p.Gln1385His (NM_001354896.2); c.4131G>C, p.Gln1377His (NM_001354897.2); c.4026G>C, p.Gln1342His (NM_001354898.2); c.4017G>C, p.Gln1339His (NM_001354899.2); c.3978G>C, p.Gln1326His (NM_001354900.2); c.3924G>C, p.Gln1308His (NM_001354901.2); and 5 more; short protein forms Q1349H, Q1367H, Q1084H, Q1241H, Q1326H, Q1342H, Q1276H, Q1308H.
Identifiers: ClinVar variation 411458 (VCV000411458.39), dbSNP rs761886683, ClinGen allele CA037656.